The following is an entry in ClinVar:

NM_000138.5(FBN1):c.461G>C (p.Cys154Ser)

Gene: FBN1 (fibrillin 1; minus strand). Cytogenetic location: 15q21.1.
Variant type: single nucleotide variant.
Coding change: c.461G>C on transcript NM_000138.5 (MANE Select); coding-DNA position 461, G replaced by C.
Protein change: p.Cys154Ser; replaces cysteine 154 with serine.
Molecular consequence: missense variant.
Genome position (GRCh38, 1-based): chr15:48,596,360, C>G on the plus strand (G>C on the coding strand, the complement: FBN1 is on the minus strand). VCF-style: chr15-48596360-C-G. GRCh37 (hg19) VCF-style: chr15-48888557-C-G.
Other names: short protein forms C154S.
Identifiers: ClinVar variation 381613 (VCV000381613.6), dbSNP rs1057521103, ClinGen allele CA16607111.
Genomic context (GRCh38, chr15:48,596,360, plus strand): 5'-CCAGTAAATCCGTAAGTGCATGCACATCGATTTGGGGCCACACACCTTCCTCCATTGAGA[C>G]AGCCACTTTCACAAACAGCTGTAAAATAAGGAGAGAGCTGAGACGCTTTACCTGAAAATA-3'
Protein context (NP_000129.3, residues 144-164): HCGQPVCESG[Cys154Ser]LNGGRCVAPN

ClinVar aggregate classification (germline): Pathogenic/Likely pathogenic. Review status: criteria provided, multiple submitters, no conflicts (2 of 4 stars). 3 submissions from 3 submitters: Pathogenic (1); Likely pathogenic (2). Last evaluated 2025-05-09.

Conditions:
Marfan syndrome (MFS). Also called: Marfan syndrome, classic; Marfan syndrome type 1; Marfan's syndrome; MARFAN SYNDROME, TYPE I; FBN1-Related Marfan Syndrome. Identifiers: Orphanet 284963, Orphanet 558, MedGen C0024796, MONDO:0007947, OMIM 154700.
Familial thoracic aortic aneurysm and aortic dissection (TAAD). Also called: Thoracic aortic aneurysms and dissections. Identifiers: Orphanet 91387, MedGen C4707243, MONDO:0019625.

Submissions (3):

3billion
Classification: Likely pathogenic for Marfan syndrome. Last evaluated: 2025-05-09. Review status: criteria provided, single submitter. Criteria: ACMG Guidelines, 2015. Collection method: clinical testing. Allele origin: germline. Affected: yes.
Comment: The variant is not observed in the gnomAD v4.1.0 dataset. Predicted Consequence/Location: Missense variant In silico tool predictions suggest damaging effect of the variant on gene or gene product [REVEL: 0.79 (>=0.6, sensitivity 0.68 and specificity 0.92); 3Cnet: 0.98 (> 0.75, sensitivity 0.96 and precision 0.92)]. The same nucleotide change resulting in the same amino acid change has been previously reported as pathogenic/likely pathogenic with strong evidence (ClinVar ID: VCV000381613 /PMID: 14695540). Different missense changes at the same codon (p.Cys154Arg, p.Cys154Phe, p.Cys154Tyr) have been reported as pathogenic/likely pathogenic with strong evidence (ClinVar ID: VCV002028254, VCV002921339, VCV003600248). Therefore, this variant is classified as Likely pathogenic according to the recommendation of ACMG/AMP guideline.

Labcorp Genetics (formerly Invitae), Labcorp
Classification: Pathogenic for Marfan syndrome; Familial thoracic aortic aneurysm and aortic dissection. Last evaluated: 2023-11-15. Review status: criteria provided, single submitter. Criteria: Invitae Variant Classification Sherloc (09022015). Collection method: clinical testing. Allele origin: germline.
Comment: This sequence change replaces cysteine, which is neutral and slightly polar, with serine, which is neutral and polar, at codon 154 of the FBN1 protein (p.Cys154Ser). This variant is not present in population databases (gnomAD no frequency). This missense change has been observed in individuals with clinical features of Marfan syndrome (PMID: 14695540; Invitae). ClinVar contains an entry for this variant (Variation ID: 381613). Advanced modeling of protein sequence and biophysical properties (such as structural, functional, and spatial information, amino acid conservation, physicochemical variation, residue mobility, and thermodynamic stability) performed at Invitae indicates that this missense variant is expected to disrupt FBN1 protein function with a positive predictive value of 95%. This variant affects a cysteine residue in the EGF-like, TGFBP or hybrid motif domains of FBN1. Cysteine residues are believed to be involved in intramolecular disulfide bridges and have been shown to be important for FBN1 protein structure (PMID: 16905551, 19349279). In addition, missense substitutions affecting cysteine residues within these domains are significantly overrepresented among patients with Marfan syndrome (PMID: 16571647, 17701892). For these reasons, this variant has been classified as Pathogenic.

GeneDx
Classification: Likely pathogenic. Last evaluated: 2016-08-16. Review status: criteria provided, single submitter. Criteria: GeneDx Variant Classification (06012015). Collection method: clinical testing. Allele origin: germline. Affected: yes.
Comment: A variant of uncertain significance has been identified in the FBN1 gene. This variant was not observed in approximately 6,500 individuals of European and African American ancestry in the NHLBI Exome Sequencing Project, indicating it is not a common benign variant in these populations. The C154S variant is a non-conservative amino acid substitution, which is likely to impact secondary protein structure as these residues differ in polarity, charge, size and/or other properties. This substitution occurs at a position that is conserved across species and in silico analysis predicts this variant is probably damaging to the protein structure/function. However, although the C154S variant affects a Cysteine residue, it does not occur within a calcium-binding EGF-like domain of the FBN1 gene. Cysteine substitutions in the calcium-binding EGF-like domains represent the majority of pathogenic missense changes associated with Marfan syndrome (Collod-Beroud et al., 2003).Therefore, based on the currently available information, it is unclear whether this variant is pathogenic or benign.

Literature cited by the submitters: PubMed 14695540 (cited by 3billion and Labcorp Genetics (formerly Invitae), Labcorp); PubMed 16905551 (cited by Labcorp Genetics (formerly Invitae), Labcorp); PubMed 19349279 (cited by Labcorp Genetics (formerly Invitae), Labcorp); PubMed 16571647 (cited by Labcorp Genetics (formerly Invitae), Labcorp); PubMed 17701892 (cited by Labcorp Genetics (formerly Invitae), Labcorp).